The following is an entry in ClinVar:

ClinVar aggregate classification (germline): Pathogenic. Review status: criteria provided, multiple submitters, no conflicts (2 of 4 stars). 5 submissions from 5 submitters: Pathogenic (4). 1 of the submissions does not count toward it. Last evaluated 2025-05-16.

Conditions:
Retinitis pigmentosa 74 (RP74). Identifiers: Orphanet 791, MedGen C4225281, MONDO:0014692, OMIM 616562.
Bardet-Biedl syndrome 2 (BBS2). Identifiers: Orphanet 110, MedGen C2936863, MONDO:0014432, OMIM 615981.
Bardet-Biedl syndrome (BBS). Identifiers: Orphanet 110, MedGen C0752166, MONDO:0015229.

Allele frequency attached by ClinVar (database versions not stated): gnomAD exomes below 0.00001; TOPMed 0.00001.

Submissions (5):

Natera, Inc.
Classification: Pathogenic for Bardet-Biedl syndrome type 2. Last evaluated: 2025-05-16. Review status: criteria provided, single submitter. Criteria: Natera Variant Classification Schema (03/2026). Collection method: clinical testing. Allele origin: germline.
Comment: The c.1705C>T variant in BBS2 is a nonsense variant predicted to introduce a stop codon at amino acid 569. This variant is expected to result in nonsense mediated decay, truncation, or a dysfunctional protein product. This variant is rare in the general population with a frequency below the threshold expected for the associated phenotype(s). This variant has been observed in one or more individuals affected with the associated recessive disease, as either homozygous or compound heterozygous with a second variant (PMID: 20120035). Given the available evidence, this variant is classified as Pathogenic.

Fulgent Genetics
Classification: Pathogenic for Bardet-Biedl syndrome 2; Retinitis pigmentosa 74. Last evaluated: 2024-03-28. Review status: criteria provided, single submitter. Criteria: ACMG Guidelines, 2015. Collection method: clinical testing. Allele origin: germline.

Baylor Genetics
Classification: Pathogenic for Bardet-Biedl syndrome 2. Last evaluated: 2023-04-04. Review status: criteria provided, single submitter. Criteria: ACMG Guidelines, 2015. Collection method: clinical testing. Allele origin: unknown.

Labcorp Genetics (formerly Invitae), Labcorp
Classification: Pathogenic for Bardet-Biedl syndrome. Last evaluated: 2023-02-14. Review status: criteria provided, single submitter. Criteria: Invitae Variant Classification Sherloc (09022015). Collection method: clinical testing. Allele origin: germline.
Comment: ClinVar contains an entry for this variant (Variation ID: 551008). For these reasons, this variant has been classified as Pathogenic. This premature translational stop signal has been observed in individuals with Bardet-Biedl syndrome (PMID: 20120035). This variant is not present in population databases (gnomAD no frequency). This sequence change creates a premature translational stop signal (p.Gln569*) in the BBS2 gene. It is expected to result in an absent or disrupted protein product. Loss-of-function variants in BBS2 are known to be pathogenic (PMID: 11285252, 20177705, 24608809, 26518167).

Counsyl
Classification: Pathogenic for Bardet-Biedl syndrome 2. Last evaluated: 2017-03-07. Review status: no assertion criteria provided. Collection method: clinical testing. Allele origin: unknown. Not counted in ClinVar's aggregate classification.

Literature cited by the submitters: PubMed 20120035 (cited by 3 submitters); PubMed 11285252 (cited by Labcorp Genetics (formerly Invitae), Labcorp); PubMed 20177705 (cited by Labcorp Genetics (formerly Invitae), Labcorp); PubMed 24608809 (cited by Labcorp Genetics (formerly Invitae), Labcorp); PubMed 26518167 (cited by Labcorp Genetics (formerly Invitae), Labcorp).

NM_031885.5(BBS2):c.1705C>T (p.Gln569Ter)

Gene: BBS2 (Bardet-Biedl syndrome 2; minus strand). Cytogenetic location: 16q13.
Variant type: single nucleotide variant.
Coding change: c.1705C>T on transcript NM_031885.5 (MANE Select); coding-DNA position 1705, C replaced by T.
Protein change: p.Gln569Ter; replaces glutamine 569 with a stop codon.
Molecular consequence: nonsense. On other transcripts: non-coding transcript variant (5).
Genome position (GRCh38, 1-based): chr16:56,497,835, G>A on the plus strand (C>T on the coding strand, the complement: BBS2 is on the minus strand). VCF-style: chr16-56497835-G-A. GRCh37 (hg19) VCF-style: chr16-56531747-G-A.
Other names: c.1705C>T, p.Gln569Ter (NM_001377456.1); short protein forms Q569*.
Identifiers: ClinVar variation 551008 (VCV000551008.16), dbSNP rs1555521501, ClinGen allele CA395976027.